The following is an entry in ClinVar:

NM_007194.4(CHEK2):c.933C>T (p.Asp311=)

Gene: CHEK2 (checkpoint kinase 2; minus strand). Cytogenetic location: 22q12.1.
Variant type: single nucleotide variant.
Coding change: c.933C>T on transcript NM_007194.4 (MANE Select); coding-DNA position 933, C replaced by T.
Protein change: p.Asp311=; no amino-acid change (aspartic acid 311 retained).
Molecular consequence: synonymous variant.
Genome position (GRCh38, 1-based): chr22:28,699,913, G>A on the plus strand (C>T on the coding strand, the complement: CHEK2 is on the minus strand). VCF-style: chr22-28699913-G-A. GRCh37 (hg19) VCF-style: chr22-29095901-G-A.
Other names: c.1062C>T, p.Asp354= (NM_001005735.3); c.270C>T, p.Asp90= (NM_001257387.3); c.732C>T, p.Asp244= (NM_001349956.3); c.933C>T, p.Asp311= (NM_145862.3).
Identifiers: ClinVar variation 3772767 (VCV003772767.1).

ClinVar aggregate classification (germline): Benign (1 of 4 stars; one submission).

Conditions:
Familial cancer of breast. Also called: Hereditary breast cancer; BREAST CANCER, FAMILIAL; hereditary breast carcinoma. Identifiers: Orphanet 227535, MedGen C0346153, MONDO:0016419, OMIM 114480. Disease mechanism: loss of function.

gnomAD v4.1: 3 of 1,613,952 alleles (0.00019%); highest among the groups gnomAD compares: South Asian, 0.0011%; no homozygotes.

Submission:

Myriad Genetics, Inc.
Classification: Benign for Familial cancer of breast. Last evaluated: 2024-10-04. Review status: criteria provided, single submitter. Criteria: Myriad Autosomal Dominant, Autosomal Recessive and X-Linked Classification Criteria (2023). Collection method: clinical testing. Allele origin: unknown.
Comment: This variant is considered benign. This variant is a silent/synonymous amino acid change and it is not expected to impact splicing.